The following is an entry in ClinVar:

NM_001080467.3(MYO5B):c.378C>T (p.Thr126=)

Gene: MYO5B (myosin VB; minus strand). Cytogenetic location: 18q21.1.
Variant type: single nucleotide variant.
Coding change: c.378C>T on transcript NM_001080467.3 (MANE Select); coding-DNA position 378, C replaced by T.
Protein change: p.Thr126=; no amino-acid change (threonine 126 retained).
Molecular consequence: synonymous variant.
Genome position (GRCh38, 1-based): chr18:50,036,927, G>A on the plus strand (C>T on the coding strand, the complement: MYO5B is on the minus strand). VCF-style: chr18-50036927-G-A. GRCh37 (hg19) VCF-style: chr18-47563297-G-A.
Identifiers: ClinVar variation 889916 (VCV000889916.13), dbSNP rs201531684, ClinGen allele CA8961898.

ClinVar aggregate classification (germline): Conflicting classifications of pathogenicity. Review status: criteria provided, conflicting classifications (1 of 4 stars). 4 submissions from 4 submitters: Uncertain significance (1); Benign (1); Likely benign (1). 1 of the submissions does not count toward it. Last evaluated 2025-10-13.

Conditions:
MYO5B-related disorder. Also called: MYO5B-related condition.
Congenital microvillous atrophy (DIAR2). Also called: Microvillus inclusion disease; Diarrhea 2 with microvillus atrophy, with or without cholestasis; MICROVILLUS ATROPHY, CONGENITAL; CONGENITAL FAMILIAL PROTRACTED DIARRHEA WITH ENTEROCYTE BRUSH-BORDER ABNORMALITIES; DAVIDSON DISEASE. Identifiers: Orphanet 2290, MedGen C0341306, MONDO:0009635, OMIM 251850.

Allele frequency attached by ClinVar (database versions not stated): gnomAD exomes 0.00009 and 0.00022; gnomAD 0.00011; TOPMed 0.00014; 1000 Genomes Project 30x 0.00016; ESP Exome Variant Server 0.00016; ExAC 0.00021.
gnomAD v4.1: 154 of 1,614,096 alleles (0.0095%); highest among the groups gnomAD compares: East Asian, 0.058%; no homozygotes.

Submissions (4):

Labcorp Genetics (formerly Invitae), Labcorp
Classification: Benign. Last evaluated: 2025-10-13. Review status: criteria provided, single submitter. Criteria: Invitae Variant Classification Sherloc (09022015). Collection method: clinical testing. Allele origin: germline.

Blueprint Genetics
Classification: Likely benign. Last evaluated: 2024-06-14. Review status: criteria provided, single submitter. Criteria: ACMG Guidelines, 2015. Collection method: clinical testing. Allele origin: germline.

Illumina Laboratory Services, Illumina
Classification: Uncertain significance for Congenital microvillous atrophy. Last evaluated: 2018-01-15. Review status: criteria provided, single submitter. Criteria: ICSL Variant Classification Criteria 13 December 2019. Collection method: clinical testing. Allele origin: germline.

PreventionGenetics, part of Exact Sciences
Classification: Likely benign for MYO5B-related condition. Last evaluated: 2024-05-29. Review status: no assertion criteria provided. Collection method: clinical testing. Allele origin: germline. Not counted in ClinVar's aggregate classification.
Comment: This variant is classified as likely benign based on ACMG/AMP sequence variant interpretation guidelines (Richards et al. 2015 PMID: 25741868, with internal and published modifications).